The following is an entry in ClinVar:

ClinVar aggregate classification (germline): Benign (1 of 4 stars; one submission).

Allele frequency attached by ClinVar (database versions not stated): 1000 Genomes Project 30x 0.00016; TOPMed 0.00024; gnomAD 0.00060.
gnomAD v4.1: 90 of 151,894 alleles (0.059%); highest among the groups gnomAD compares: East Asian, 0.25%; no homozygotes.

Submission:

CeGaT Center for Human Genetics Tuebingen
Classification: Benign. Last evaluated: 2022-10-01. Review status: criteria provided, single submitter. Criteria: CeGaT Center For Human Genetics Tuebingen Variant Classification Criteria Version 2. Collection method: clinical testing. Allele origin: germline. Affected: yes. Observed: 1 variant allele.
Comment: SUZ12: BS1, BS2

NM_015355.4(SUZ12):c.275-843A>G

Gene: SUZ12 (SUZ12 polycomb repressive complex 2 subunit; plus strand). Cytogenetic location: 17q11.2.
Variant type: single nucleotide variant.
Coding change: c.275-843A>G on transcript NM_015355.4 (MANE Select); 843 bases into the intron before coding-DNA position 275, A replaced by G.
Molecular consequence: intron variant.
Genome position (GRCh38, 1-based): chr17:31,939,443, A>G. VCF-style: chr17-31939443-A-G. GRCh37 (hg19) VCF-style: chr17-30266462-A-G.
Other names: c.275-843A>G (NM_001321207.2).
Identifiers: ClinVar variation 2647648 (VCV002647648.24), dbSNP rs1044813881, ClinGen allele CA289422394.